The following is an entry in ClinVar:

NM_002661.5(PLCG2):c.2931C>G (p.Tyr977Ter)

Gene: PLCG2 (phospholipase C gamma 2; plus strand). Cytogenetic location: 16q23.3.
Variant type: single nucleotide variant.
Coding change: c.2931C>G on transcript NM_002661.5 (MANE Select); coding-DNA position 2931, C replaced by G.
Protein change: p.Tyr977Ter; replaces tyrosine 977 with a stop codon.
Molecular consequence: nonsense.
Genome position (GRCh38, 1-based): chr16:81,936,257, C>G. VCF-style: chr16-81936257-C-G. GRCh37 (hg19) VCF-style: chr16-81969862-C-G.
Other names: short protein forms Y977*.
Identifiers: ClinVar variation 571026 (VCV000571026.6), dbSNP rs1016837424, ClinGen allele CA285188028.
Genomic context (GRCh38, chr16:81,936,257, plus strand): 5'-CTTTGTGGAGACGAAGGCTGACAGCATCATCAGACAGAAGCCCGTCGACCTCCTGAAGTA[C>G]AATCAAAAGGGCCTGACCCGCGTCTACCCAAAGGGACAAAGAGTTGACTCTTCAAACTAC-3'

ClinVar aggregate classification (germline): Uncertain significance (1 of 4 stars; one submission).

Conditions:
Familial cold autoinflammatory syndrome 3 (FCAS3). Also called: FAMILIAL ATYPICAL COLD URTICARIA; ANTIBODY DEFICIENCY AND IMMUNE DYSREGULATION, PLCG2-ASSOCIATED. Identifiers: Orphanet 300359, MedGen C3280914, MONDO:0013766, OMIM 614468.

Allele frequency attached by ClinVar (database versions not stated): TOPMed below 0.00001; gnomAD 0.00001.
gnomAD v4.1: 1 of 1,614,040 alleles (0.000062%); highest among the groups gnomAD compares: African/African-American, 0.0013%; no homozygotes.

Submission:

Labcorp Genetics (formerly Invitae), Labcorp
Classification: Uncertain significance for Familial cold autoinflammatory syndrome 3. Last evaluated: 2018-05-26. Review status: criteria provided, single submitter. Criteria: Invitae Variant Classification Sherloc (09022015). Collection method: clinical testing. Allele origin: germline.
Comment: In summary, the available evidence is currently insufficient to determine the role of this variant in disease. Therefore, it has been classified as a Variant of Uncertain Significance. The current clinical and genetic evidence is not sufficient to establish whether loss-of-function variants in PLCG2 cause disease. Algorithms developed to predict the effect of sequence changes on RNA splicing suggest that this variant may create or strengthen a splice site, but this prediction has not been confirmed by published transcriptional studies. This variant has not been reported in the literature in individuals with PLCG2-related disease. This variant is not present in population databases (ExAC no frequency). This sequence change creates a premature translational stop signal (p.Tyr977*) in the PLCG2 gene. It is expected to result in an absent or disrupted protein product.